The following is an entry in ClinVar:

NM_144687.4(NLRP12):c.1349C>T (p.Pro450Leu)

Gene: NLRP12 (NLR family pyrin domain containing 12; minus strand). Cytogenetic location: 19q13.42.
Variant type: single nucleotide variant.
Coding change: c.1349C>T on transcript NM_144687.4 (MANE Select); coding-DNA position 1349, C replaced by T.
Protein change: p.Pro450Leu; replaces proline 450 with leucine.
Molecular consequence: missense variant.
Genome position (GRCh38, 1-based): chr19:53,810,310, G>A on the plus strand (C>T on the coding strand, the complement: NLRP12 is on the minus strand). VCF-style: chr19-53810310-G-A. GRCh37 (hg19) VCF-style: chr19-54313564-G-A.
Other names: c.1349C>T, p.Pro450Leu (NM_001277126.2, NM_001277129.1); short protein forms P450L.
Identifiers: ClinVar variation 330031 (VCV000330031.14), dbSNP rs143640165, ClinGen allele CA9639446.
Genomic context (GRCh38, chr19:53,810,310, plus strand): 5'-CAGAGCCCATCTGCCGCCAAGGAGCACAACCCTCTCTGGTTGGGTGGGGGCTGGAGGCGC[G>A]GGGCCCCCGGCTTGGGTTGCATCAGACTCAGCAGGTAGAGCATGTACACTGCAGTGGTGG-3'
Protein context (NP_653288.1, residues 440-460): LSLMQPKPGA[Pro450Leu]RLQPPPNQRG

ClinVar aggregate classification (germline): Conflicting classifications of pathogenicity. Review status: criteria provided, conflicting classifications (1 of 4 stars). 4 submissions from 4 submitters: Uncertain significance (2); Likely benign (2). Last evaluated 2025-09-02.

Conditions:
Familial cold autoinflammatory syndrome 2 (FCAS2). Identifiers: Orphanet 247868, MedGen C2673198, MONDO:0012724, OMIM 611762.

Allele frequency attached by ClinVar (database versions not stated): gnomAD 0.00009; TOPMed 0.00009; ExAC 0.00010; ESP Exome Variant Server 0.00015.
gnomAD v4.1: 54 of 1,613,566 alleles (0.0033%); highest among the groups gnomAD compares: African/African-American, 0.027%; no homozygotes.

Submissions (4):

Labcorp Genetics (formerly Invitae), Labcorp
Classification: Uncertain significance for Familial cold autoinflammatory syndrome 2. Last evaluated: 2025-09-02. Review status: criteria provided, single submitter. Criteria: Invitae Variant Classification Sherloc (09022015). Collection method: clinical testing. Allele origin: germline.
Comment: This sequence change replaces proline, which is neutral and non-polar, with leucine, which is neutral and non-polar, at codon 450 of the NLRP12 protein (p.Pro450Leu). This variant is present in population databases (rs143640165, gnomAD 0.03%). This variant has not been reported in the literature in individuals affected with NLRP12-related conditions. ClinVar contains an entry for this variant (Variation ID: 330031). Invitae Evidence Modeling of protein sequence and biophysical properties (such as structural, functional, and spatial information, amino acid conservation, physicochemical variation, residue mobility, and thermodynamic stability) indicates that this missense variant is not expected to disrupt NLRP12 protein function with a negative predictive value of 80%. In summary, the available evidence is currently insufficient to determine the role of this variant in disease. Therefore, it has been classified as a Variant of Uncertain Significance.

Blueprint Genetics
Classification: Likely benign. Last evaluated: 2023-10-03. Review status: criteria provided, single submitter. Criteria: ACMG Guidelines, 2015. Collection method: clinical testing. Allele origin: germline.

Revvity Omics, Revvity
Classification: Uncertain significance for Familial cold autoinflammatory syndrome 2. Last evaluated: 2021-01-28. Review status: criteria provided, single submitter. Criteria: ACMG Guidelines, 2015. Collection method: clinical testing. Allele origin: germline.

Illumina Laboratory Services, Illumina
Classification: Likely benign for Familial cold autoinflammatory syndrome 2. Last evaluated: 2018-01-12. Review status: criteria provided, single submitter. Criteria: ICSL Variant Classification Criteria 13 December 2019. Collection method: clinical testing. Allele origin: germline.
Comment: This variant was observed in the ICSL laboratory as part of a predisposition screen in an ostensibly healthy population. It had not been previously curated by ICSL or reported in the Human Gene Mutation Database (HGMD: prior to June 1st, 2018), and was therefore a candidate for classification through an automated scoring system. Utilizing variant allele frequency, disease prevalence and penetrance estimates, and inheritance mode, an automated score was calculated to assess if this variant is too frequent to cause the disease. Based on the score and internal cut-off values, a variant classified as likely benign is not then subjected to further curation. The score for this variant resulted in a classification of likely benign for this disease.